The following is an entry in ClinVar:

NM_000260.4(MYO7A):c.1052C>T (p.Ser351Leu)

Gene: MYO7A (myosin VIIA; plus strand). Cytogenetic location: 11q13.5.
Variant type: single nucleotide variant.
Coding change: c.1052C>T on transcript NM_000260.4 (MANE Select); coding-DNA position 1052, C replaced by T.
Protein change: p.Ser351Leu; replaces serine 351 with leucine.
Molecular consequence: missense variant.
Genome position (GRCh38, 1-based): chr11:77,159,495, C>T. VCF-style: chr11-77159495-C-T. GRCh37 (hg19) VCF-style: chr11-76870541-C-T.
Other names: c.1052C>T (NM_000260.3); c.1052C>T, p.Ser351Leu (NM_001127180.2); c.1019C>T, p.Ser340Leu (NM_001369365.1); short protein forms S340L, S351L.
Identifiers: ClinVar variation 2069620 (VCV002069620.2), dbSNP rs782639389, ClinGen allele CA6197357.

ClinVar aggregate classification (germline): Uncertain significance. Review status: criteria provided, multiple submitters, no conflicts (2 of 4 stars). 2 submissions from 2 submitters: Uncertain significance (2). Last evaluated 2026-07-20.

Conditions:
Inborn genetic diseases. Identifiers: MedGen C0950123, MeSH D030342.

Allele frequency attached by ClinVar (database versions not stated): ExAC 0.00003; gnomAD exomes 0.00001; TOPMed 0.00001; gnomAD 0.00002.

Submissions (2):

Ambry Genetics
Classification: Uncertain significance for Inborn genetic diseases. Last evaluated: 2026-07-20. Review status: criteria provided, single submitter. Criteria: Ambry Variant Classification Scheme 2023. Collection method: clinical testing. Allele origin: germline.

Labcorp Genetics (formerly Invitae), Labcorp
Classification: Uncertain significance. Last evaluated: 2022-09-13. Review status: criteria provided, single submitter. Criteria: Invitae Variant Classification Sherloc (09022015). Collection method: clinical testing. Allele origin: germline.
Comment: This sequence change replaces serine, which is neutral and polar, with leucine, which is neutral and non-polar, at codon 351 of the MYO7A protein (p.Ser351Leu). This variant is present in population databases (rs782639389, gnomAD 0.03%). This variant has not been reported in the literature in individuals affected with MYO7A-related conditions. Advanced modeling of protein sequence and biophysical properties (such as structural, functional, and spatial information, amino acid conservation, physicochemical variation, residue mobility, and thermodynamic stability) performed at Invitae indicates that this missense variant is not expected to disrupt MYO7A protein function. In summary, the available evidence is currently insufficient to determine the role of this variant in disease. Therefore, it has been classified as a Variant of Uncertain Significance.